The following is an entry in ClinVar:

ClinVar aggregate classification (germline): Uncertain significance (1 of 4 stars; one submission).

Conditions:
WNK3-related condition.

gnomAD v4.1: 3 of 1,210,323 alleles (0.00025%); highest among the groups gnomAD compares: Admixed American, 0.0065%; no homozygotes.

Submission:

PreventionGenetics, part of Exact Sciences
Classification: Uncertain significance for WNK3-related condition. Last evaluated: 2024-11-30. Review status: criteria provided, single submitter. Criteria: ACMG Guidelines, 2015. Collection method: clinical testing. Allele origin: germline.
Comment: The WNK3 c.5164C>T variant is predicted to result in the amino acid substitution p.Leu1722Phe. To our knowledge, this variant has not been reported in the literature. This variant is reported in 0.0074% of alleles in individuals of Latino descent in gnomAD. At this time, the clinical significance of this variant is uncertain due to the absence of conclusive functional and genetic evidence.

NM_020922.5(WNK3):c.5164C>T (p.Leu1722Phe)

Gene: WNK3 (WNK lysine deficient protein kinase 3; minus strand). Cytogenetic location: Xp11.22.
Variant type: single nucleotide variant.
Coding change: c.5164C>T on transcript NM_020922.5 (MANE Select); coding-DNA position 5164, C replaced by T.
Protein change: p.Leu1722Phe; replaces leucine 1722 with phenylalanine.
Molecular consequence: missense variant.
Genome position (GRCh38, 1-based): chrX:54,198,563, G>A on the plus strand (C>T on the coding strand, the complement: WNK3 is on the minus strand). VCF-style: chrX-54198563-G-A. GRCh37 (hg19) VCF-style: chrX-54224996-G-A.
Other names: c.4993C>T, p.Leu1665Phe (NM_001002838.4, NM_001395166.1); short protein forms L1665F, L1722F.
Identifiers: ClinVar variation 4988905 (VCV004988905.1).